The following is an entry in ClinVar:

ClinVar aggregate classification (germline): Uncertain significance. Review status: criteria provided, multiple submitters, no conflicts (2 of 4 stars). 3 submissions from 3 submitters: Uncertain significance (3). Last evaluated 2025-11-08.

Conditions:
Inborn genetic diseases. Identifiers: MedGen C0950123, MeSH D030342.

Allele frequency attached by ClinVar (database versions not stated): gnomAD 0.00001; ExAC 0.00002; TOPMed 0.00002; gnomAD exomes 0.00004.
gnomAD v4.1: 53 of 1,598,084 alleles (0.0033%); highest among the groups gnomAD compares: Non-Finnish European, 0.0043%; no homozygotes.

Submissions (3):

Ambry Genetics
Classification: Uncertain significance for Inborn genetic diseases. Last evaluated: 2025-11-08. Review status: criteria provided, single submitter. Criteria: Ambry Variant Classification Scheme 2023. Collection method: clinical testing. Allele origin: germline.

Labcorp Genetics (formerly Invitae), Labcorp
Classification: Uncertain significance. Last evaluated: 2022-06-17. Review status: criteria provided, single submitter. Criteria: Invitae Variant Classification Sherloc (09022015). Collection method: clinical testing. Allele origin: germline.
Comment: This sequence change replaces asparagine, which is neutral and polar, with serine, which is neutral and polar, at codon 2541 of the CDH23 protein (p.Asn2541Ser). This variant is present in population databases (rs745345746, gnomAD 0.004%). This variant has not been reported in the literature in individuals affected with CDH23-related conditions. Algorithms developed to predict the effect of missense changes on protein structure and function are either unavailable or do not agree on the potential impact of this missense change (SIFT: "Deleterious"; PolyPhen-2: "Not Available"; Align-GVGD: "Class C0"). In summary, the available evidence is currently insufficient to determine the role of this variant in disease. Therefore, it has been classified as a Variant of Uncertain Significance.

Blueprint Genetics
Classification: Uncertain significance. Last evaluated: 2020-02-21. Review status: criteria provided, single submitter. Criteria: ACMG Guidelines, 2015. Collection method: clinical testing. Allele origin: germline.

NM_022124.6(CDH23):c.7622A>G (p.Asn2541Ser)

Gene: CDH23 (cadherin related 23; plus strand). Cytogenetic location: 10q22.1.
Variant type: single nucleotide variant.
Coding change: c.7622A>G on transcript NM_022124.6 (MANE Select); coding-DNA position 7622, A replaced by G.
Protein change: p.Asn2541Ser; replaces asparagine 2541 with serine.
Molecular consequence: missense variant.
Genome position (GRCh38, 1-based): chr10:71,803,037, A>G. VCF-style: chr10-71803037-A-G. GRCh37 (hg19) VCF-style: chr10-73562794-A-G.
Other names: c.7622A>G (NM_022124.5); c.902A>G, p.Asn301Ser (NM_001171933.1, NM_001171934.1); short protein forms N301S, N2541S.
Identifiers: ClinVar variation 2162303 (VCV002162303.3), dbSNP rs745345746, ClinGen allele CA5546389.